The following is an entry in ClinVar:

NM_000321.3(RB1):c.1050-11T>C

Gene: RB1 (RB transcriptional corepressor 1; plus strand). Cytogenetic location: 13q14.2.
Variant type: single nucleotide variant.
Coding change: c.1050-11T>C on transcript NM_000321.3 (MANE Select); 11 bases into the intron before coding-DNA position 1050, T replaced by C.
Molecular consequence: intron variant.
Genome position (GRCh38, 1-based): chr13:48,368,516, T>C. VCF-style: chr13-48368516-T-C. GRCh37 (hg19) VCF-style: chr13-48942652-T-C.
Identifiers: ClinVar variation 1570535 (VCV001570535.12), dbSNP rs201410490, ClinGen allele CA027446.

ClinVar aggregate classification (germline): Likely benign. Review status: criteria provided, multiple submitters, no conflicts (2 of 4 stars). 5 submissions from 5 submitters: Likely benign (5). Last evaluated 2026-06-18.

Conditions:
Retinoblastoma (RB1). Also called: RETINOBLASTOMA, SOMATIC. Identifiers: Orphanet 790, MedGen C0035335, MeSH D012175, MONDO:0008380, OMIM 180200, HP:0009919. Disease mechanism: loss of function. Inheritance: Both sporadic and heritable forms are tested..

Allele frequency attached by ClinVar (database versions not stated): gnomAD exomes below 0.00001 and 0.00001; ExAC 0.00001; gnomAD 0.00001; TOPMed 0.00001.
gnomAD v4.1: 17 of 1,612,786 alleles (0.0011%); highest among the groups gnomAD compares: Non-Finnish European, 0.0013%; no homozygotes.

Submissions (5):

Myriad Genetics, Inc.
Classification: Likely benign for Retinoblastoma. Last evaluated: 2026-06-18. Review status: criteria provided, single submitter. Criteria: Myriad Autosomal Dominant, Autosomal Recessive and X-Linked Classification Criteria (2023). Collection method: clinical testing. Allele origin: unknown.
Comment: This variant is considered likely benign. This variant is intronic and is not expected to impact mRNA splicing.

Labcorp Genetics (formerly Invitae), Labcorp
Classification: Likely benign for Retinoblastoma. Last evaluated: 2025-12-16. Review status: criteria provided, single submitter. Criteria: Invitae Variant Classification Sherloc (09022015). Collection method: clinical testing. Allele origin: germline.

All of Us Research Program, National Institutes of Health
Classification: Likely benign for Retinoblastoma. Last evaluated: 2023-12-13. Review status: criteria provided, single submitter. Criteria: ACMG Guidelines, 2015. Collection method: clinical testing. Allele origin: germline. Inheritance: Autosomal dominant inheritance. Observed: 3 variant alleles, 3 heterozygotes.
Comment: This study involves interpretation of variants in research participants for the purpose of population health screening. Participant phenotype was not available at the time of variant classification. Additional details can be found in publication PMID: 35346344, PMCID: PMC8962531

Color Diagnostics, LLC DBA Color Health
Classification: Likely benign for Retinoblastoma. Last evaluated: 2022-04-27. Review status: criteria provided, single submitter. Criteria: ACMG Guidelines, 2015. Collection method: clinical testing. Allele origin: germline.

Blueprint Genetics
Classification: Likely benign. Last evaluated: 2020-08-13. Review status: criteria provided, single submitter. Criteria: ACMG Guidelines, 2015. Collection method: clinical testing. Allele origin: germline.